The following is an entry in ClinVar:

ClinVar aggregate classification (germline): Uncertain significance (1 of 4 stars; one submission).

Conditions:
Hereditary cancer-predisposing syndrome. Also called: Neoplastic Syndromes, Hereditary; Hereditary neoplastic syndrome; Tumor predisposition; Hereditary Cancer Syndrome. Identifiers: Orphanet 140162, MedGen C0027672, MeSH D009386, MONDO:0015356.

Submission:

Ambry Genetics
Classification: Uncertain significance for Hereditary cancer-predisposing syndrome. Last evaluated: 2026-01-19. Review status: criteria provided, single submitter. Criteria: Ambry Variant Classification Scheme 2023. Collection method: clinical testing. Allele origin: germline.
Comment: The p.P829R variant (also known as c.2486C>G), located in coding exon 10 of the AXIN2 gene, results from a C to G substitution at nucleotide position 2486. The proline at codon 829 is replaced by arginine, an amino acid with dissimilar properties. This amino acid position is conserved. In addition, this alteration is predicted to be deleterious by in silico analysis. Based on the available evidence, the clinical significance of this variant remains unclear.

NM_004655.4(AXIN2):c.2486C>G (p.Pro829Arg)

Gene: AXIN2 (axin 2; minus strand). Cytogenetic location: 17q24.1.
Variant type: single nucleotide variant.
Coding change: c.2486C>G on transcript NM_004655.4 (MANE Select); coding-DNA position 2486, C replaced by G.
Protein change: p.Pro829Arg; replaces proline 829 with arginine.
Molecular consequence: missense variant.
Genome position (GRCh38, 1-based): chr17:65,530,022, G>C on the plus strand (C>G on the coding strand, the complement: AXIN2 is on the minus strand). VCF-style: chr17-65530022-G-C. GRCh37 (hg19) VCF-style: chr17-63526140-G-C.
Other names: c.2291C>G, p.Pro764Arg (NM_001363813.1); short protein forms P764R, P829R.
Identifiers: ClinVar variation 4824616 (VCV004824616.1).